The following is an entry in ClinVar:

NM_000222.3(KIT):c.1647+3A>G

Gene: KIT (KIT proto-oncogene, receptor tyrosine kinase; plus strand). Cytogenetic location: 4q12.
Variant type: single nucleotide variant.
Coding change: c.1647+3A>G on transcript NM_000222.3 (MANE Select); 3 bases into the intron after coding-DNA position 1647, A replaced by G.
Molecular consequence: intron variant.
Genome position (GRCh38, 1-based): chr4:54,727,327, A>G. VCF-style: chr4-54727327-A-G. GRCh37 (hg19) VCF-style: chr4-55593493-A-G.
Other names: c.1650+3A>G (NM_001385284.1, NM_001385290.1); c.1638+3A>G (NM_001385288.1, NM_001385292.1); c.1647+3A>G (NM_001385285.1); c.1635+3A>G (NM_001093772.2, NM_001385286.1).
Identifiers: ClinVar variation 5023285 (VCV005023285.1).

ClinVar aggregate classification (germline): Uncertain significance (1 of 4 stars; one submission).

Conditions:
Hereditary cancer-predisposing syndrome. Also called: Neoplastic Syndromes, Hereditary; Tumor predisposition; Hereditary neoplastic syndrome; Hereditary Cancer Syndrome. Identifiers: Orphanet 140162, MedGen C0027672, MeSH D009386, MONDO:0015356.

Submission:

Ambry Genetics
Classification: Uncertain significance for Hereditary cancer-predisposing syndrome. Last evaluated: 2026-09-14. Review status: criteria provided, single submitter. Criteria: Ambry Variant Classification Scheme 2023. Collection method: clinical testing. Allele origin: germline.
Comment: The c.1647+3A>G intronic variant results from an A to G substitution 3 nucleotides after coding exon 10 in the KIT gene. This nucleotide position is well conserved in available vertebrate species. In silico splice site analysis predicts that this alteration will not have any significant effect on splicing. Based on the available evidence, the clinical significance of this variant remains unclear.